The following is an entry in ClinVar:

NM_033028.5(BBS4):c.220+3A>G

Gene: BBS4 (Bardet-Biedl syndrome 4; plus strand). Cytogenetic location: 15q24.1.
Variant type: single nucleotide variant.
Coding change: c.220+3A>G on transcript NM_033028.5 (MANE Select); 3 bases into the intron after coding-DNA position 220, A replaced by G.
Molecular consequence: intron variant.
Genome position (GRCh38, 1-based): chr15:72,712,310, A>G. VCF-style: chr15-72712310-A-G. GRCh37 (hg19) VCF-style: chr15-73004651-A-G.
Other names: c.220+3A>G (NM_001320665.2); c.-302+3A>G (NM_001252678.2).
Identifiers: ClinVar variation 2201819 (VCV002201819.5), dbSNP rs376143305, ClinGen allele CA7646541.

ClinVar aggregate classification (germline): Uncertain significance. Review status: criteria provided, multiple submitters, no conflicts (2 of 4 stars). 2 submissions from 2 submitters: Uncertain significance (2). Last evaluated 2024-04-15.

Conditions:
Bardet-Biedl syndrome (BBS). Identifiers: Orphanet 110, MedGen C0752166, MONDO:0015229.
Bardet-Biedl syndrome 4 (BBS4). Identifiers: Orphanet 110, MedGen C2936864, MONDO:0014433, OMIM 615982.

Allele frequency attached by ClinVar (database versions not stated): ESP Exome Variant Server 0.00008; 1000 Genomes Project 30x 0.00016.
gnomAD v4.1: 6 of 1,612,638 alleles (0.00037%); highest among the groups gnomAD compares: African/African-American, 0.0053%; no homozygotes.

Submissions (2):

Fulgent Genetics
Classification: Uncertain significance for Bardet-Biedl syndrome 4. Last evaluated: 2024-04-15. Review status: criteria provided, single submitter. Criteria: ACMG Guidelines, 2015. Collection method: clinical testing. Allele origin: germline.

Labcorp Genetics (formerly Invitae), Labcorp
Classification: Uncertain significance for Bardet-Biedl syndrome. Last evaluated: 2021-12-29. Review status: criteria provided, single submitter. Criteria: Invitae Variant Classification Sherloc (09022015). Collection method: clinical testing. Allele origin: germline.
Comment: In summary, the available evidence is currently insufficient to determine the role of this variant in disease. Therefore, it has been classified as a Variant of Uncertain Significance. Variants that disrupt the consensus splice site are a relatively common cause of aberrant splicing (PMID: 17576681, 9536098). Algorithms developed to predict the effect of sequence changes on RNA splicing suggest that this variant may disrupt the consensus splice site. This variant has not been reported in the literature in individuals affected with BBS4-related conditions. This variant is present in population databases (rs376143305, gnomAD 0.01%). This sequence change falls in intron 4 of the BBS4 gene. It does not directly change the encoded amino acid sequence of the BBS4 protein. It affects a nucleotide within the consensus splice site.

Literature cited by the submitters: PubMed 17576681 (cited by Labcorp Genetics (formerly Invitae), Labcorp); PubMed 9536098 (cited by Labcorp Genetics (formerly Invitae), Labcorp).